The following is an entry in ClinVar:

NM_058216.3(RAD51C):c.25G>C (p.Glu9Gln)

Gene: RAD51C (RAD51 paralog C; plus strand). Cytogenetic location: 17q22.
Variant type: single nucleotide variant.
Coding change: c.25G>C on transcript NM_058216.3 (MANE Select); coding-DNA position 25, G replaced by C.
Protein change: p.Glu9Gln; replaces glutamic acid 9 with glutamine.
Molecular consequence: missense variant. On other transcripts: non-coding transcript variant (2).
Genome position (GRCh38, 1-based): chr17:58,692,668, G>C. VCF-style: chr17-58692668-G-C. GRCh37 (hg19) VCF-style: chr17-56770029-G-C.
Other names: c.25G>C, p.Glu9Gln (NM_002876.4); c.25G>C (NM_058216.1); short protein forms E9Q.
Identifiers: ClinVar variation 630023 (VCV000630023.8), dbSNP rs1567782727, ClinGen allele CA400336329.
Genomic context (GRCh38, chr17:58,692,668, plus strand): 5'-AGTTTGGCTGCTCCGGGGTTAGCAGGTGAGCCTGCGATGCGCGGGAAGACGTTCCGCTTT[G>C]AAATGCAGCGGGATTTGGTGAGTTTCCCGCTGTCTCCAGCGGTGCGGGTGAAGCTGGTGT-3'
Protein context (NP_478123.1, residues 1-19): MRGKTFRF[Glu9Gln]MQRDLVSFPL

ClinVar aggregate classification (germline): Uncertain significance. Review status: criteria provided, multiple submitters, no conflicts (2 of 4 stars). 3 submissions from 3 submitters: Uncertain significance (3). Last evaluated 2025-05-09.

Conditions:
Hereditary cancer-predisposing syndrome. Also called: Tumor predisposition; Neoplastic Syndromes, Hereditary; Hereditary Cancer Syndrome; Hereditary neoplastic syndrome. Identifiers: Orphanet 140162, MedGen C0027672, MeSH D009386, MONDO:0015356.
Fanconi anemia complementation group O. Also called: RAD51C-Related Fanconi Anemia. Identifiers: Orphanet 84, MedGen C3150653, MONDO:0013248, OMIM 613390.

Allele frequency attached by ClinVar (database versions not stated): gnomAD exomes below 0.00001.
gnomAD v4.1: 1 of 1,614,228 alleles (0.000062%); highest among the groups gnomAD compares: Non-Finnish European, 0.000085%; no homozygotes.

Submissions (3):

Ambry Genetics
Classification: Uncertain significance for Hereditary cancer-predisposing syndrome. Last evaluated: 2025-05-09. Review status: criteria provided, single submitter. Criteria: Ambry Variant Classification Scheme 2023. Collection method: clinical testing. Allele origin: germline.
Comment: The p.E9Q variant (also known as c.25G>C), located in coding exon 1 of the RAD51C gene, results from a G to C substitution at nucleotide position 25. The glutamic acid at codon 9 is replaced by glutamine, an amino acid with highly similar properties. This amino acid position is conserved. In addition, this alteration is predicted to be tolerated by in silico analysis. Based on the available evidence, the clinical significance of this variant remains unclear.

Labcorp Genetics (formerly Invitae), Labcorp
Classification: Uncertain significance for Fanconi anemia complementation group O. Last evaluated: 2024-11-13. Review status: criteria provided, single submitter. Criteria: Invitae Variant Classification Sherloc (09022015). Collection method: clinical testing. Allele origin: germline.
Comment: This sequence change replaces glutamic acid, which is acidic and polar, with glutamine, which is neutral and polar, at codon 9 of the RAD51C protein (p.Glu9Gln). This variant is not present in population databases (gnomAD no frequency). This variant has not been reported in the literature in individuals affected with RAD51C-related conditions. ClinVar contains an entry for this variant (Variation ID: 630023). An algorithm developed to predict the effect of missense changes on protein structure and function (PolyPhen-2) suggests that this variant is likely to be tolerated. In summary, the available evidence is currently insufficient to determine the role of this variant in disease. Therefore, it has been classified as a Variant of Uncertain Significance.

Color Diagnostics, LLC DBA Color Health
Classification: Uncertain significance for Hereditary cancer-predisposing syndrome. Last evaluated: 2023-12-04. Review status: criteria provided, single submitter. Criteria: ACMG Guidelines, 2015. Collection method: clinical testing. Allele origin: germline.
Comment: This missense variant replaces glutamic acid with glutamine at codon 9 of the RAD51C protein. Computational prediction suggests that this variant may not impact protein structure and function (internally defined REVEL score threshold <= 0.5, PMID: 27666373). To our knowledge, functional studies have not been reported for this variant. This variant has not been reported in individuals affected with RAD51C-related disorders in the literature. This variant has not been identified in the general population by the Genome Aggregation Database (gnomAD). The available evidence is insufficient to determine the role of this variant in disease conclusively. Therefore, this variant is classified as a Variant of Uncertain Significance.